The following is an entry in ClinVar:

NM_000238.4(KCNH2):c.1674G>A (p.Ala558=)

Gene: KCNH2 (potassium voltage-gated channel subfamily H member 2; minus strand). Cytogenetic location: 7q36.1.
Variant type: single nucleotide variant.
Coding change: c.1674G>A on transcript NM_000238.4 (MANE Select); coding-DNA position 1674, G replaced by A.
Protein change: p.Ala558=; no amino-acid change (alanine 558 retained).
Molecular consequence: synonymous variant. On other transcripts: non-coding transcript variant (2).
Genome position (GRCh38, 1-based): chr7:150,951,719, C>T on the plus strand (G>A on the coding strand, the complement: KCNH2 is on the minus strand). VCF-style: chr7-150951719-C-T. GRCh37 (hg19) VCF-style: chr7-150648807-C-T.
Other names: c.654G>A, p.Ala218= (NM_001204798.2, NM_172057.3); c.1386G>A, p.Ala462= (NM_001406753.1, NM_001406756.1); c.1497G>A, p.Ala499= (NM_001406755.1); c.1374G>A, p.Ala458= (NM_001406757.1); c.1674G>A, p.Ala558= (NM_172056.3).
Identifiers: ClinVar variation 511769 (VCV000511769.17), dbSNP rs554855472, ClinGen allele CA029181.

ClinVar aggregate classification (germline): Likely benign. Review status: criteria provided, multiple submitters, no conflicts (2 of 4 stars). 5 submissions from 5 submitters: Likely benign (5). Last evaluated 2025-12-08.

Conditions:
Cardiovascular phenotype. Identifiers: MedGen CN230736.
Cardiac arrhythmia. Also called: Arrhythmia; Cardiac rhythm disease. Identifiers: MedGen C0003811, MONDO:0007263, HP:0011675.
Long QT syndrome (LQTS). Identifiers: MedGen C0023976, MeSH D008133, MONDO:0002442. Disease mechanism: loss of function. Inheritance: Various modes of inheritance.

Allele frequency attached by ClinVar (database versions not stated): gnomAD below 0.00001 and 0.00005; TOPMed 0.00001; gnomAD exomes 0.00005 and 0.00006; ExAC 0.00007; 1000 Genomes Project 30x 0.00031; 1000 Genomes Project 0.00040.
gnomAD v4.1: 89 of 1,613,562 alleles (0.0055%); highest among the groups gnomAD compares: South Asian, 0.085%; 1 homozygote.

Submissions (5):

Labcorp Genetics (formerly Invitae), Labcorp
Classification: Likely benign for Long QT syndrome. Last evaluated: 2025-12-08. Review status: criteria provided, single submitter. Criteria: Invitae Variant Classification Sherloc (09022015). Collection method: clinical testing. Allele origin: germline.

All of Us Research Program, National Institutes of Health
Classification: Likely benign for Long QT syndrome. Last evaluated: 2024-05-14. Review status: criteria provided, single submitter. Criteria: ACMG Guidelines, 2015. Collection method: clinical testing. Allele origin: germline. Inheritance: Autosomal dominant inheritance. Observed: 8 variant alleles, 8 heterozygotes.
Comment: This study involves interpretation of variants in research participants for the purpose of population health screening. Participant phenotype was not available at the time of variant classification. Additional details can be found in publication PMID: 35346344, PMCID: PMC8962531

Ambry Genetics
Classification: Likely benign for Cardiovascular phenotype. Last evaluated: 2023-06-22. Review status: criteria provided, single submitter. Criteria: Ambry Variant Classification Scheme 2023. Collection method: clinical testing. Allele origin: germline.

Color Diagnostics, LLC DBA Color Health
Classification: Likely benign for Arrhythmia. Last evaluated: 2018-10-16. Review status: criteria provided, single submitter. Criteria: ACMG Guidelines, 2015. Collection method: clinical testing. Allele origin: germline.

GeneDx
Classification: Likely benign. Last evaluated: 2017-08-31. Review status: criteria provided, single submitter. Criteria: GeneDx Variant Classification (06012015). Collection method: clinical testing. Allele origin: germline. Affected: yes.
Comment: This variant is considered likely benign or benign based on one or more of the following criteria: it is a conservative change, it occurs at a poorly conserved position in the protein, it is predicted to be benign by multiple in silico algorithms, and/or has population frequency not consistent with disease.